The following is an entry in ClinVar:

NM_012463.4(ATP6V0A2):c.1250A>G (p.His417Arg)

Gene: ATP6V0A2 (ATPase H+ transporting V0 subunit a2; plus strand). Cytogenetic location: 12q24.31.
Variant type: single nucleotide variant.
Coding change: c.1250A>G on transcript NM_012463.4 (MANE Select); coding-DNA position 1250, A replaced by G.
Protein change: p.His417Arg; replaces histidine 417 with arginine.
Molecular consequence: missense variant.
Genome position (GRCh38, 1-based): chr12:123,744,261, A>G. VCF-style: chr12-123744261-A-G. GRCh37 (hg19) VCF-style: chr12-124228808-A-G.
Other names: short protein forms H417R.
Identifiers: ClinVar variation 4797682 (VCV004797682.1).

ClinVar aggregate classification (germline): Uncertain significance (1 of 4 stars; one submission).

Conditions:
ALG9 congenital disorder of glycosylation (CDG1L). Also called: CDG Il; ALG9-CDG; CONGENITAL DISORDER OF GLYCOSYLATION, TYPE Il. Identifiers: Orphanet 79328, MedGen C2931006, MONDO:0012117, OMIM 608776.

gnomAD v4.1: 2 of 1,614,198 alleles (0.00012%); highest among the groups gnomAD compares: Non-Finnish European, 0.00017%; no homozygotes.

Submission:

Labcorp Genetics (formerly Invitae), Labcorp
Classification: Uncertain significance for ALG9 congenital disorder of glycosylation. Last evaluated: 2026-01-28. Review status: criteria provided, single submitter. Criteria: Invitae Variant Classification Sherloc (09022015). Collection method: clinical testing. Allele origin: germline.
Comment: This sequence change replaces histidine, which is basic and polar, with arginine, which is basic and polar, at codon 417 of the ATP6V0A2 protein (p.His417Arg). This variant is present in population databases (rs776345193, gnomAD 0.002%). This variant has not been reported in the literature in individuals affected with ATP6V0A2-related conditions. Invitae Evidence Modeling of protein sequence and biophysical properties (such as structural, functional, and spatial information, amino acid conservation, physicochemical variation, residue mobility, and thermodynamic stability) indicates that this missense variant is expected to disrupt ATP6V0A2 protein function with a positive predictive value of 80%. This variant disrupts the p.His417 amino acid residue in ATP6V0A2. Other variant(s) that disrupt this residue have been determined to be pathogenic (PMID: 30653653). This suggests that this residue is clinically significant, and that variants that disrupt this residue are likely to be disease-causing. In summary, the available evidence is currently insufficient to determine the role of this variant in disease. Therefore, it has been classified as a Variant of Uncertain Significance.

Literature cited by the submitters: PubMed 30653653.